The following is an entry in ClinVar:

NM_172366.4(FBXO16):c.162A>G (p.Arg54=)

Gene: FBXO16 (F-box protein 16; minus strand). Cytogenetic location: 8p21.1.
Variant type: single nucleotide variant.
Coding change: c.162A>G on transcript NM_172366.4 (MANE Select); coding-DNA position 162, A replaced by G.
Protein change: p.Arg54=; no amino-acid change (arginine 54 retained).
Molecular consequence: synonymous variant.
Genome position (GRCh38, 1-based): chr8:28,463,792, T>C on the plus strand (A>G on the coding strand, the complement: FBXO16 is on the minus strand). VCF-style: chr8-28463792-T-C. GRCh37 (hg19) VCF-style: chr8-28321309-T-C.
Other names: c.126A>G, p.Arg42= (NM_001258211.2).
Identifiers: ClinVar variation 4873823 (VCV004873823.2).
Genomic context (GRCh38, chr8:28,463,792, plus strand): 5'-ACAGCAGAACTTTTGCTGGGACAGCGAGCAGCGCTCCAACAGGCCTGTGAGGATTCTTCT[T>C]CTTTGAGAGTCTGTCCATTTGTCAAACTGGAAACACAAAACAAAGCAAAATGTAAAAAGC-3'
Protein context (NP_758954.1, residues 44-64): KWFDKWTDSQ[Arg54=]RRILTGLLER

ClinVar aggregate classification (germline): Likely benign (1 of 4 stars; one submission).

gnomAD v4.1: 2 of 1,613,930 alleles (0.00012%); highest among the groups gnomAD compares: Non-Finnish European, 0.00017%; no homozygotes.

Submission:

CeGaT Center for Human Genetics Tuebingen
Classification: Likely benign. Last evaluated: 2026-05-01. Review status: criteria provided, single submitter. Criteria: CeGaT Center For Human Genetics Tuebingen Variant Classification Criteria Version 2. Collection method: clinical testing. Allele origin: germline. Affected: yes. Observed: 1 variant allele.
Comment: FBXO16: BP4, BP7